The following is an entry in ClinVar:

NM_032043.3(BRIP1):c.2823A>G (p.Ile941Met)

Gene: BRIP1 (BRCA1 interacting DNA helicase 1; minus strand). Cytogenetic location: 17q23.2.
Variant type: single nucleotide variant.
Coding change: c.2823A>G on transcript NM_032043.3 (MANE Select); coding-DNA position 2823, A replaced by G.
Protein change: p.Ile941Met; replaces isoleucine 941 with methionine.
Molecular consequence: missense variant.
Genome position (GRCh38, 1-based): chr17:61,685,918, T>C on the plus strand (A>G on the coding strand, the complement: BRIP1 is on the minus strand). VCF-style: chr17-61685918-T-C. GRCh37 (hg19) VCF-style: chr17-59763279-T-C.
Other names: short protein forms I941M.
Identifiers: ClinVar variation 3757712 (VCV003757712.2).

ClinVar aggregate classification (germline): Uncertain significance (1 of 4 stars; one submission).

Conditions:
Fanconi anemia complementation group J. Also called: BRIP1-Related Fanconi Anemia. Identifiers: Orphanet 84, MedGen C1836860, MONDO:0012187, OMIM 609054.
Familial cancer of breast. Also called: BREAST CANCER, FAMILIAL; Hereditary breast cancer; hereditary breast carcinoma. Identifiers: Orphanet 227535, MedGen C0346153, MONDO:0016419, OMIM 114480. Disease mechanism: loss of function.

Submission:

Labcorp Genetics (formerly Invitae), Labcorp
Classification: Uncertain significance for Familial cancer of breast; Fanconi anemia complementation group J. Last evaluated: 2024-08-17. Review status: criteria provided, single submitter. Criteria: Invitae Variant Classification Sherloc (09022015). Collection method: clinical testing. Allele origin: germline.
Comment: This sequence change replaces isoleucine, which is neutral and non-polar, with methionine, which is neutral and non-polar, at codon 941 of the BRIP1 protein (p.Ile941Met). This variant is not present in population databases (gnomAD no frequency). This variant has not been reported in the literature in individuals affected with BRIP1-related conditions. Invitae Evidence Modeling of protein sequence and biophysical properties (such as structural, functional, and spatial information, amino acid conservation, physicochemical variation, residue mobility, and thermodynamic stability) indicates that this missense variant is not expected to disrupt BRIP1 protein function with a negative predictive value of 80%. In summary, the available evidence is currently insufficient to determine the role of this variant in disease. Therefore, it has been classified as a Variant of Uncertain Significance.